The following is an entry in ClinVar:

ClinVar aggregate classification (germline): Conflicting classifications of pathogenicity. Review status: criteria provided, conflicting classifications (1 of 4 stars). 4 submissions from 4 submitters: Uncertain significance (2); Likely benign (2). Last evaluated 2025-11-20.

Conditions:
RYR3-related disorder. Also called: RYR3-related condition.
Epileptic encephalopathy. Identifiers: MedGen C0543888, HP:0200134.

Allele frequency attached by ClinVar (database versions not stated): ExAC 0.00060; gnomAD 0.00179 and 0.00195; TOPMed 0.00179; ESP Exome Variant Server 0.00182; 1000 Genomes Project 30x 0.00219; 1000 Genomes Project 0.00240.
gnomAD v4.1: 510 of 1,612,504 alleles (0.032%); highest among the groups gnomAD compares: African/African-American, 0.62%; 2 homozygotes.

Submissions (4):

PreventionGenetics, part of Exact Sciences
Classification: Likely benign for RYR3-related condition. Last evaluated: 2025-11-20. Review status: criteria provided, single submitter. Criteria: ACMG Guidelines, 2015. Collection method: clinical testing. Allele origin: germline.
Comment: This variant is classified as likely benign based on ACMG/AMP sequence variant interpretation guidelines (Richards et al. 2015 PMID: 25741868, with internal and published modifications).

Ambry Genetics
Classification: Uncertain significance. Last evaluated: 2025-10-22. Review status: criteria provided, single submitter. Criteria: Ambry Variant Classification Scheme 2023. Collection method: clinical testing. Allele origin: germline.

Labcorp Genetics (formerly Invitae), Labcorp
Classification: Likely benign for Epileptic encephalopathy. Last evaluated: 2024-04-15. Review status: criteria provided, single submitter. Criteria: Invitae Variant Classification Sherloc (09022015). Collection method: clinical testing. Allele origin: germline.

Center for Genomics, Ann and Robert H. Lurie Children's Hospital of Chicago
Classification: Uncertain significance. Last evaluated: 2022-02-03. Review status: criteria provided, single submitter. Criteria: ACMG Guidelines, 2015. Collection method: clinical testing. Allele origin: germline.
Comment: RYR3 NM_001036.3 exon 49 p.Asn2497Ser (c.7490A>G): This variant has not been reported in the literature but is present in 0.6% (264/41454) of African alleles including 1 homozygote in the Genome Aggregation Database. This variant is present in ClinVar (Variation ID:461949). This variant amino acid Serine (Ser) is present in several species including multiple mammals and is not well conserved among evolutionarily distant species; this suggests that this variant may not impact the protein. Additional computational prediction tools do not suggest an impact. In summary, data on this variant is insufficient for disease classification. Therefore, the clinical significance of this variant is uncertain.

NM_001036.6(RYR3):c.7490A>G (p.Asn2497Ser)

Gene: RYR3 (ryanodine receptor 3; plus strand). Cytogenetic location: 15q14.
Variant type: single nucleotide variant.
Coding change: c.7490A>G on transcript NM_001036.6 (MANE Select); coding-DNA position 7490, A replaced by G.
Protein change: p.Asn2497Ser; replaces asparagine 2497 with serine.
Molecular consequence: missense variant.
Genome position (GRCh38, 1-based): chr15:33,736,300, A>G. VCF-style: chr15-33736300-A-G. GRCh37 (hg19) VCF-style: chr15-34028501-A-G.
Other names: c.7490A>G (NM_001036.3); c.7490A>G, p.Asn2497Ser (NM_001243996.4); short protein forms N2497S.
Identifiers: ClinVar variation 461949 (VCV000461949.15), dbSNP rs61996331, ClinGen allele CA7459887.
Genomic context (GRCh38, chr15:33,736,300, plus strand): 5'-TGAGGCCTTCCATGTTACAGCAACTCCTGCGACGCCTCGTTTTTGATGTGCCGCAACTCA[A>G]TGAATACTGCAAAATGCCTCTCAAGGTAAACATCACTATTGTTACAGAAATACAGTCTAT-3'
Protein context (NP_001027.3, residues 2487-2507): RRLVFDVPQL[Asn2497Ser]EYCKMPLKLL